The following is an entry in ClinVar:

NM_001330260.2(SCN8A):c.2903_2916del (p.Val968fs)

Gene: SCN8A (sodium voltage-gated channel alpha subunit 8; plus strand). Cytogenetic location: 12q13.13.
Variant type: Deletion.
Coding change: c.2903_2916del on transcript NM_001330260.2 (MANE Select); coding-DNA positions 2903 to 2916, 14 bases deleted (TGCTGAACCTGTTT).
Protein change: p.Val968fs; shifts the reading frame from valine 968.
Molecular consequence: frameshift variant.
Genome position (GRCh38, 1-based): chr12:51,768,866-51,768,879, TGCTGAACCTGTTT deleted. VCF-style (leftmost placement, unchanged base first): chr12-51768865-GTGCTGAACCTGTTT-G. GRCh37 (hg19) VCF-style: chr12-52162649-GTGCTGAACCTGTTT-G.
Other names: c.2903_2916del, p.Val968fs (NM_001177984.3, NM_001369788.1, NM_014191.4); short protein forms V968fs.
Identifiers: ClinVar variation 3906353 (VCV003906353.1).

ClinVar aggregate classification (germline): Pathogenic (1 of 4 stars; one submission).

Submission:

GeneDx
Classification: Pathogenic. Last evaluated: 2024-12-22. Review status: criteria provided, single submitter. Criteria: GeneDx Variant Classification Process June 2021. Collection method: clinical testing. Allele origin: germline. Affected: yes.
Comment: Frameshift variant predicted to result in protein truncation or nonsense mediated decay in a gene for which loss of function is a known mechanism of disease; Not observed at significant frequency in large population cohorts (gnomAD); Has not been previously published as pathogenic or benign to our knowledge